The following is an entry in ClinVar:

NM_003072.5(SMARCA4):c.2617-14T>C

Gene: SMARCA4 (SWI/SNF related BAF chromatin remodeling complex subunit ATPase 4; plus strand). Cytogenetic location: 19p13.2.
Variant type: single nucleotide variant.
Coding change: c.2617-14T>C on transcript NM_003072.5 (MANE Select); 14 bases into the intron before coding-DNA position 2617, T replaced by C.
Molecular consequence: intron variant.
Genome position (GRCh38, 1-based): chr19:11,021,711, T>C. VCF-style: chr19-11021711-T-C. GRCh37 (hg19) VCF-style: chr19-11132387-T-C.
Other names: c.2617-14T>C (NM_001128844.3, NM_001128849.3, NM_001128847.4 and 5 more transcripts).
Identifiers: ClinVar variation 1530266 (VCV001530266.9), dbSNP rs767483064, ClinGen allele CA9204206.

ClinVar aggregate classification (germline): Likely benign. Review status: criteria provided, multiple submitters, no conflicts (2 of 4 stars). 2 submissions from 2 submitters: Likely benign (2). Last evaluated 2026-07-07.

Conditions:
Rhabdoid tumor predisposition syndrome 2 (RTPS2). Identifiers: Orphanet 231108, Orphanet 69077, MedGen C2750074, MONDO:0013224, OMIM 613325.

Allele frequency attached by ClinVar (database versions not stated): gnomAD exomes 0.00002 and below 0.00001; TOPMed 0.00001; ExAC 0.00002.

Submissions (2):

Myriad Genetics, Inc.
Classification: Likely benign for Rhabdoid tumor predisposition syndrome 2. Last evaluated: 2026-07-07. Review status: criteria provided, single submitter. Criteria: Myriad Autosomal Dominant, Autosomal Recessive and X-Linked Classification Criteria (2023). Collection method: clinical testing. Allele origin: unknown.
Comment: This variant is considered likely benign. This variant is intronic and is not expected to impact mRNA splicing.

Labcorp Genetics (formerly Invitae), Labcorp
Classification: Likely benign for Rhabdoid tumor predisposition syndrome 2. Last evaluated: 2026-01-25. Review status: criteria provided, single submitter. Criteria: Invitae Variant Classification Sherloc (09022015). Collection method: clinical testing. Allele origin: germline.